The following is an entry in ClinVar:

ClinVar aggregate classification (germline): Pathogenic (1 of 4 stars; one submission).

Conditions:
Lowe syndrome (OCRL). Also called: LOWE OCULOCEREBRORENAL SYNDROME; PHOSPHATIDYLINOSITOL 4,5-BISPHOSPHATE 5-PHOSPHATASE DEFICIENCY; Oculocerebrorenal Syndrome. Identifiers: Orphanet 534, MedGen C0028860, MONDO:0010645, OMIM 309000.

Submission:

Labcorp Genetics (formerly Invitae), Labcorp
Classification: Pathogenic for Lowe syndrome. Last evaluated: 2021-08-16. Review status: criteria provided, single submitter. Criteria: Invitae Variant Classification Sherloc (09022015). Collection method: clinical testing. Allele origin: germline.
Comment: For these reasons, this variant has been classified as Pathogenic. This variant has not been reported in the literature in individuals affected with OCRL-related conditions. This variant is not present in population databases (ExAC no frequency). This sequence change creates a premature translational stop signal (p.Ile274Leufs*8) in the OCRL gene. It is expected to result in an absent or disrupted protein product. Loss-of-function variants in OCRL are known to be pathogenic (PMID: 19390221, 21031565, 22381590).

Literature cited by the submitters: PubMed 19390221; PubMed 21031565; PubMed 22381590.

NM_000276.4(OCRL):c.820del (p.Ile274fs)

Gene: OCRL (OCRL inositol polyphosphate-5-phosphatase; plus strand). Cytogenetic location: Xq26.1.
Variant type: Deletion.
Coding change: c.820del on transcript NM_000276.4 (MANE Select); coding-DNA position 820, one base deleted (A; older notation c.820delA).
Protein change: p.Ile274fs; shifts the reading frame from isoleucine 274.
Molecular consequence: frameshift variant.
Genome position (GRCh38, 1-based): chrX:129,560,647, A deleted. VCF-style (leftmost placement, unchanged base first): chrX-129560646-CA-C. GRCh37 (hg19) VCF-style: chrX-128694623-CA-C.
Other names: c.823del, p.Ile275fs (NM_001318784.2); c.820del, p.Ile274fs (NM_001587.4); short protein forms I275fs, I274fs.
Identifiers: ClinVar variation 1389736 (VCV001389736.6), dbSNP rs2124404250, ClinGen allele CA2573159239.